The following is an entry in ClinVar:

NM_006005.3(WFS1):c.2184C>T (p.Gly728=)

Gene: WFS1 (wolframin ER transmembrane glycoprotein; plus strand). Cytogenetic location: 4p16.1.
Variant type: single nucleotide variant.
Coding change: c.2184C>T on transcript NM_006005.3 (MANE Select); coding-DNA position 2184, C replaced by T.
Protein change: p.Gly728=; no amino-acid change (glycine 728 retained).
Molecular consequence: synonymous variant.
Genome position (GRCh38, 1-based): chr4:6,301,979, C>T. VCF-style: chr4-6301979-C-T. GRCh37 (hg19) VCF-style: chr4-6303706-C-T.
Other names: c.2184C>T, p.Gly728= (NM_001145853.1).
Identifiers: ClinVar variation 45448 (VCV000045448.25), dbSNP rs71530908, ClinGen allele CA136346.

ClinVar aggregate classification (germline): Benign/Likely benign. Review status: criteria provided, multiple submitters, no conflicts (2 of 4 stars). 10 submissions from 9 submitters: Benign (8); Likely benign (2). Last evaluated 2026-02-01.

Conditions:
WFS1-Related Spectrum Disorders.
Wolfram syndrome 1 (WFS1). Identifiers: Orphanet 3463, MedGen C4551693, MONDO:0009101, OMIM 222300.
Autosomal dominant nonsyndromic hearing loss 6 (LFSNHL). Also called: DEAFNESS, AUTOSOMAL DOMINANT 6; DEAFNESS, AUTOSOMAL DOMINANT 14; DEAFNESS, AUTOSOMAL DOMINANT 38; Autosomal dominant nonsyndromic deafness 6. Identifiers: Orphanet 90635, MedGen C1833021, MONDO:0010963, OMIM 600965.
Cataract 41 (CTRCT41). Also called: CATARACT 41, CONGENITAL NUCLEAR TYPE. Identifiers: Orphanet 91492, Orphanet 98991, Orphanet 98992, Orphanet 98995, MedGen C3805412, MONDO:0007287, OMIM 116400.
Type 2 diabetes mellitus. Also called: Type II diabetes mellitus. Identifiers: MedGen C0011860, MeSH D003924, MONDO:0005148, OMIM 125853, HP:0005978.
Wolfram-like syndrome. Also called: HEARING LOSS, PROGRESSIVE, WITH OPTIC ATROPHY AND/OR IMPAIRED GLUCOSE REGULATION. Identifiers: Orphanet 411590, MedGen C3280358, MONDO:0013673, OMIM 614296.

Allele frequency attached by ClinVar (database versions not stated): ESP Exome Variant Server 0.00023; TOPMed 0.00033; gnomAD 0.00084 and 0.00236; gnomAD exomes 0.00710; ExAC 0.00847; 1000 Genomes Project 30x 0.01187; 1000 Genomes Project 0.01278.
gnomAD v4.1: 5,173 of 1,612,718 alleles (0.32%); highest among the groups gnomAD compares: South Asian, 4.5%; 154 homozygotes.

Submissions (10):

Labcorp Genetics (formerly Invitae), Labcorp
Classification: Benign. Last evaluated: 2026-02-01. Review status: criteria provided, single submitter. Criteria: Invitae Variant Classification Sherloc (09022015). Collection method: clinical testing. Allele origin: germline.

ARUP Laboratories, Molecular Genetics and Genomics, ARUP Laboratories
Classification: Benign. Last evaluated: 2024-12-02. Review status: criteria provided, single submitter. Criteria: ARUP Molecular Germline Variant Investigation Process 2024. Collection method: clinical testing. Allele origin: germline.

Blueprint Genetics
Classification: Likely benign. Last evaluated: 2024-11-22. Review status: criteria provided, single submitter. Criteria: ACMG Guidelines, 2015. Collection method: clinical testing. Allele origin: germline.

Fulgent Genetics
Classification: Likely benign for Cataract 41; Type 2 diabetes mellitus; Wolfram syndrome 1; Autosomal dominant nonsyndromic hearing loss 6; Wolfram-like syndrome. Last evaluated: 2021-07-19. Review status: criteria provided, single submitter. Criteria: ACMG Guidelines, 2015. Collection method: clinical testing. Allele origin: unknown.

Illumina Laboratory Services, Illumina
Classification: Benign for Autosomal dominant nonsyndromic hearing loss 6. Last evaluated: 2018-01-13. Review status: criteria provided, single submitter. Criteria: ICSL Variant Classification Criteria 13 December 2019. Collection method: clinical testing. Allele origin: germline.
Comment: This variant was observed in the ICSL laboratory as part of a predisposition screen in an ostensibly healthy population. It had not been previously curated by ICSL or reported in the Human Gene Mutation Database (HGMD: prior to June 1st, 2018), and was therefore a candidate for classification through an automated scoring system. Utilizing variant allele frequency, disease prevalence and penetrance estimates, and inheritance mode, an automated score was calculated to assess if this variant is too frequent to cause the disease. Based on the score and internal cut-off values, a variant classified as benign is not then subjected to further curation. The score for this variant resulted in a classification of benign for this disease.

Illumina Laboratory Services, Illumina
Classification: Benign for WFS1-Related Spectrum Disorders. Last evaluated: 2018-01-13. Review status: criteria provided, single submitter. Criteria: ICSL Variant Classification Criteria 13 December 2019. Collection method: clinical testing. Allele origin: germline.
Comment: the same text as in the submission from Illumina Laboratory Services, Illumina above.

Laboratory for Molecular Medicine, Mass General Brigham Personalized Medicine
Classification: Benign. Last evaluated: 2016-01-26. Review status: criteria provided, single submitter. Criteria: LMM Criteria. Collection method: clinical testing. Allele origin: germline. Observed: 5 variant alleles.
Comment: p.Gly728Gly in Exon 8 of WFS1: This variant is not expected to have clinical sig nificance because it has been identified in 5% (824/16244) of South Asian chromo somes by the Exome Aggregation Consortium (ExAC; dbSNP rs71530908).

GeneDx
Classification: Benign. Last evaluated: 2015-06-19. Review status: criteria provided, single submitter. Criteria: GeneDx Variant Classification (06012015). Collection method: clinical testing. Allele origin: germline. Affected: yes.
Comment: This variant is considered likely benign or benign based on one or more of the following criteria: it is a conservative change, it occurs at a poorly conserved position in the protein, it is predicted to be benign by multiple in silico algorithms, and/or has population frequency not consistent with disease.

Breakthrough Genomics
Classification: Benign. Review status: criteria provided, single submitter. Criteria: ACMG Guidelines, 2015. Collection method: not provided. Allele origin: germline. Inheritance: Autosomal recessive inheritance. Affected: yes.

Clinical Genomics, Uppaluri K&H Personalized Medicine Clinic
Classification: Benign for Wolfram syndrome 1. Review status: criteria provided, single submitter. Criteria: K & H Uppaluri Personalized Medicine Clinic Variant Classification & Assertion Criteria_Updated V.1. Collection method: research. Allele origin: unknown. Inheritance: Autosomal recessive inheritance.
Comment: Potent mutations in WFS1 gene are associated with Wolfram's syndrome, an autosomal recessive condition, which cause diabetes mellitus, diabetes insipidus, deafness and optic atrophy.However no sufficient evidence is found to ascertain the role of this particular variant rs71530908 yet.

Literature cited by the submitters: PubMed 20738327 (cited by Clinical Genomics, Uppaluri K&H Personalized Medicine Clinic); PubMed 33879153 (cited by Clinical Genomics, Uppaluri K&H Personalized Medicine Clinic); PubMed 12955714 (cited by Clinical Genomics, Uppaluri K&H Personalized Medicine Clinic); PubMed 18060660 (cited by Clinical Genomics, Uppaluri K&H Personalized Medicine Clinic); PubMed 20301750 (cited by Clinical Genomics, Uppaluri K&H Personalized Medicine Clinic); PubMed 17603484 (cited by Clinical Genomics, Uppaluri K&H Personalized Medicine Clinic).